The following is an entry in ClinVar:

NM_021620.4(PRDM13):c.598G>T (p.Ala200Ser)

Gene: PRDM13 (PR/SET domain 13; plus strand). Cytogenetic location: 6q16.2.
Variant type: single nucleotide variant.
Coding change: c.598G>T on transcript NM_021620.4 (MANE Select); coding-DNA position 598, G replaced by T.
Protein change: p.Ala200Ser; replaces alanine 200 with serine.
Molecular consequence: missense variant.
Genome position (GRCh38, 1-based): chr6:99,613,233, G>T. VCF-style: chr6-99613233-G-T. GRCh37 (hg19) VCF-style: chr6-100061109-G-T.
Other names: short protein forms A200S.
Identifiers: ClinVar variation 2010584 (VCV002010584.4), dbSNP rs1413013156, ClinGen allele CA365115752.

ClinVar aggregate classification (germline): Uncertain significance (1 of 4 stars; one submission).

Submission:

Labcorp Genetics (formerly Invitae), Labcorp
Classification: Uncertain significance. Last evaluated: 2022-06-28. Review status: criteria provided, single submitter. Criteria: Invitae Variant Classification Sherloc (09022015). Collection method: clinical testing. Allele origin: germline.
Comment: In summary, the available evidence is currently insufficient to determine the role of this variant in disease. Therefore, it has been classified as a Variant of Uncertain Significance. Algorithms developed to predict the effect of missense changes on protein structure and function output the following: SIFT: "Tolerated"; PolyPhen-2: "Benign"; Align-GVGD: "Class C0". The serine amino acid residue is found in multiple mammalian species, which suggests that this missense change does not adversely affect protein function. This variant has not been reported in the literature in individuals affected with PRDM13-related conditions. This variant is not present in population databases (gnomAD no frequency). This sequence change replaces alanine, which is neutral and non-polar, with serine, which is neutral and polar, at codon 200 of the PRDM13 protein (p.Ala200Ser).